The following is an entry in ClinVar:

ClinVar aggregate classification (germline): Uncertain significance. Review status: criteria provided, multiple submitters, no conflicts (2 of 4 stars). 2 submissions from 2 submitters: Uncertain significance (2). Last evaluated 2025-04-09.

Conditions:
Fanconi anemia (FA). Also called: Fanconi's anemia. Identifiers: Orphanet 84, MedGen C0015625, MeSH D005199, MONDO:0019391.

gnomAD v4.1: 8 of 1,211,446 alleles (0.00066%); highest among the groups gnomAD compares: Non-Finnish European, 0.00078%; no homozygotes.

Submissions (2):

Dasa
Classification: Uncertain significance. Last evaluated: 2025-04-09. Review status: criteria provided, single submitter. Criteria: DASA Assertion Criteria. Collection method: clinical testing. Allele origin: germline.
Comment: NM_001018113.3(FANCB):c.1663A>G (p.Thr555Ala) is a missense variant that results in the substitution of threonine with alanine. This variant is rare in population databases. Computational prediction algorithms are consistent with a benign effect. The currently available literature and clinical evidence are not sufficient to establish a definitive association between this variant and the reported condition. Therefore, this variant is classified as a variant of uncertain significance.

Labcorp Genetics (formerly Invitae), Labcorp
Classification: Uncertain significance for Fanconi anemia. Last evaluated: 2024-11-27. Review status: criteria provided, single submitter. Criteria: Invitae Variant Classification Sherloc (09022015). Collection method: clinical testing. Allele origin: germline.
Comment: This sequence change replaces threonine, which is neutral and polar, with alanine, which is neutral and non-polar, at codon 555 of the FANCB protein (p.Thr555Ala). This variant is not present in population databases (gnomAD no frequency). This variant has not been reported in the literature in individuals affected with FANCB-related conditions. Invitae Evidence Modeling of protein sequence and biophysical properties (such as structural, functional, and spatial information, amino acid conservation, physicochemical variation, residue mobility, and thermodynamic stability) indicates that this missense variant is not expected to disrupt FANCB protein function with a negative predictive value of 80%. In summary, the available evidence is currently insufficient to determine the role of this variant in disease. Therefore, it has been classified as a Variant of Uncertain Significance.

NM_001018113.3(FANCB):c.1663A>G (p.Thr555Ala)

Gene: FANCB (FA complementation group B; minus strand). Cytogenetic location: Xp22.2.
Variant type: single nucleotide variant.
Coding change: c.1663A>G on transcript NM_001018113.3 (MANE Select); coding-DNA position 1663, A replaced by G.
Protein change: p.Thr555Ala; replaces threonine 555 with alanine.
Molecular consequence: missense variant.
Genome position (GRCh38, 1-based): chrX:14,845,120, T>C on the plus strand (A>G on the coding strand, the complement: FANCB is on the minus strand). VCF-style: chrX-14845120-T-C. GRCh37 (hg19) VCF-style: chrX-14863242-T-C.
Other names: c.1663A>G, p.Thr555Ala (NM_001324162.2, NM_001410764.1, NM_152633.4); short protein forms T555A.
Identifiers: ClinVar variation 3717359 (VCV003717359.4).
Genomic context (GRCh38, chrX:14,845,120, plus strand): 5'-CACACTCTTTCTTAGATGGGTGTTCACAAACAAAGCTTTCCTCTTTCTTGCTATCAGGGG[T>C]CAACGTGACCCTTTTTGCTTCCAATCCTATTTCACATGGCATCAAGTATGGTGCTGGGAA-3'
Protein context (NP_001018123.1, residues 545-565): IGLEAKRVTL[Thr555Ala]PDSKKEESFV